The following is an entry in ClinVar:

ClinVar aggregate classification (germline): Likely benign. Review status: criteria provided, multiple submitters, no conflicts (2 of 4 stars). 2 submissions from 2 submitters: Likely benign (2). Last evaluated 2025-03-19.

Conditions:
Alstrom syndrome (ALMS). Identifiers: Orphanet 64, MedGen C0268425, MONDO:0008763, OMIM 203800.
ALMS1-related disorder. Also called: ALMS1-related condition.

Allele frequency attached by ClinVar (database versions not stated): gnomAD exomes below 0.00001.
gnomAD v4.1: 1 of 1,614,128 alleles (0.000062%); highest among the groups gnomAD compares: Non-Finnish European, 0.000085%; no homozygotes.

Submissions (2):

PreventionGenetics, part of Exact Sciences
Classification: Likely benign for ALMS1-related condition. Last evaluated: 2025-03-19. Review status: criteria provided, single submitter. Criteria: ACMG Guidelines, 2015. Collection method: clinical testing. Allele origin: germline.
Comment: This variant is classified as likely benign based on ACMG/AMP sequence variant interpretation guidelines (Richards et al. 2015 PMID: 25741868, with internal and published modifications).

Labcorp Genetics (formerly Invitae), Labcorp
Classification: Likely benign for Alstrom syndrome. Last evaluated: 2025-01-28. Review status: criteria provided, single submitter. Criteria: Invitae Variant Classification Sherloc (09022015). Collection method: clinical testing. Allele origin: germline.

NM_001378454.1(ALMS1):c.7632G>A (p.Lys2544=)

Gene: ALMS1 (ALMS1 centrosome and basal body associated protein; plus strand). Cytogenetic location: 2p13.1.
Variant type: single nucleotide variant.
Coding change: c.7632G>A on transcript NM_001378454.1 (MANE Select); coding-DNA position 7632, G replaced by A.
Protein change: p.Lys2544=; no amino-acid change (lysine 2544 retained).
Molecular consequence: synonymous variant.
Genome position (GRCh38, 1-based): chr2:73,455,253, G>A. VCF-style: chr2-73455253-G-A. GRCh37 (hg19) VCF-style: chr2-73682380-G-A.
Other names: c.7635G>A, p.Lys2545= (NM_015120.4).
Identifiers: ClinVar variation 2844842 (VCV002844842.4), dbSNP rs2103797588, ClinGen allele CA426776107.